The following is an entry in ClinVar:

NM_004646.4(NPHS1):c.2405G>A (p.Arg802Gln)

Gene: NPHS1 (NPHS1 adhesion molecule, nephrin; minus strand). Cytogenetic location: 19q13.12.
Variant type: single nucleotide variant.
Coding change: c.2405G>A on transcript NM_004646.4 (MANE Select); coding-DNA position 2405, G replaced by A.
Protein change: p.Arg802Gln; replaces arginine 802 with glutamine.
Molecular consequence: missense variant.
Genome position (GRCh38, 1-based): chr19:35,842,480, C>T on the plus strand (G>A on the coding strand, the complement: NPHS1 is on the minus strand). VCF-style: chr19-35842480-C-T. GRCh37 (hg19) VCF-style: chr19-36333382-C-T.
Other names: short protein forms R802Q.
Identifiers: ClinVar variation 930199 (VCV000930199.15), dbSNP rs114203578, ClinGen allele CA9390141.
Genomic context (GRCh38, chr19:35,842,480, plus strand): 5'-ACCCCATTGTCCACAATGCACTGGTAAGCGCCAGCCTGGGCCAGTTTGGCATGGTGAATC[C>T]GCAGGCGCCCCGTTGGTCCCCTGGATATCTTCTCCATGTCATCCAGGCTCTGGTCCTCCT-3'
Protein context (NP_004637.1, residues 792-812): KISRGPTGRL[Arg802Gln]IHHAKLAQAG

ClinVar aggregate classification (germline): Conflicting classifications of pathogenicity. Review status: criteria provided, conflicting classifications (1 of 4 stars). 6 submissions from 6 submitters: Uncertain significance (3); Likely benign (3). Last evaluated 2026-01-28.

Conditions:
Nephrotic syndrome. Identifiers: MedGen C0027726, MONDO:0005377, HP:0000100.
Finnish congenital nephrotic syndrome (NPHS1). Also called: NEPHROTIC SYNDROME, TYPE 1. Identifiers: Orphanet 839, MedGen C0403399, MONDO:0009732, OMIM 256300.

Allele frequency attached by ClinVar (database versions not stated): gnomAD exomes 0.00005 and 0.00007; ExAC 0.00008; ESP Exome Variant Server 0.00008; gnomAD 0.00025 and 0.00028; 1000 Genomes Project 30x 0.00031; TOPMed 0.00031; 1000 Genomes Project 0.00040.
gnomAD v4.1: 114 of 1,614,138 alleles (0.0071%); highest among the groups gnomAD compares: African/African-American, 0.08%; no homozygotes.

Submissions (6):

Labcorp Genetics (formerly Invitae), Labcorp
Classification: Likely benign. Last evaluated: 2026-01-28. Review status: criteria provided, single submitter. Criteria: Invitae Variant Classification Sherloc (09022015). Collection method: clinical testing. Allele origin: germline.

Fulgent Genetics
Classification: Uncertain significance for Finnish congenital nephrotic syndrome. Last evaluated: 2024-04-17. Review status: criteria provided, single submitter. Criteria: ACMG Guidelines, 2015. Collection method: clinical testing. Allele origin: germline.

Genetic Services Laboratory, University of Chicago
Classification: Uncertain significance. Last evaluated: 2023-02-22. Review status: criteria provided, single submitter. Criteria: ACMG Guidelines, 2015. Collection method: clinical testing. Allele origin: germline. Affected: no.
Comment: DNA sequence analysis of the NPHS1 gene demonstrated a sequence change, c.2405G>A, in exon 18 that results in an amino acid change, p.Arg802Gln. This sequence change has been described in the gnomAD database with a frequency of 0.072% in the African/African American subpopulation (dbSNP rs114203578). The p.Arg802Gln change affects a moderately conserved amino acid residue located in a domain of the NPHS1 protein that is known to be functional. The p.Arg802Gln substitution appears to be benign using several in-silico pathogenicity prediction tools (SIFT, PolyPhen2, Align GVGD, REVEL). This sequence change does not appear to have been previously described in individuals with NPHS1-related disorders. Due to insufficient evidence and the lack of functional studies, the clinical significance of the p.Arg802Gln change remains unknown at this time

Revvity Omics, Revvity
Classification: Uncertain significance for Finnish congenital nephrotic syndrome. Last evaluated: 2020-02-10. Review status: criteria provided, single submitter. Criteria: ACMG Guidelines, 2015. Collection method: clinical testing. Allele origin: germline.

UNC Molecular Genetics  Laboratory, University of North Carolina at Chapel Hill
Classification: Likely benign for Nephrotic syndrome. Last evaluated: 2019-09-14. Review status: criteria provided, single submitter. Criteria: ACMG Guidelines, 2015. Collection method: clinical testing. Allele origin: germline. Affected: yes. Observed: 1 compound heterozygote.

Breakthrough Genomics
Classification: Likely benign. Review status: criteria provided, single submitter. Criteria: ACMG Guidelines, 2015. Collection method: not provided. Allele origin: germline. Inheritance: Autosomal recessive inheritance. Affected: yes.